The following is an entry in ClinVar:

NC_000001.10:g.(?_230202984)_(230417869_?)del

Gene: GALNT2 (polypeptide N-acetylgalactosaminyltransferase 2; plus strand). Cytogenetic location: 1q42.13.
Variant type: Deletion.
Identifiers: ClinVar variation 4689509 (VCV004689509.1).

ClinVar aggregate classification (germline): Pathogenic (1 of 4 stars; one submission).

Conditions:
Congenital disorder of glycosylation, type iit. Also called: CDG IIt. Identifiers: MedGen C5394387, MONDO:0030043, OMIM 618885.

Submission:

Women's Health and Genetics/Laboratory Corporation of America, LabCorp
Classification: Pathogenic for Congenital disorder of glycosylation, type iit. Last evaluated: 2026-01-09. Review status: criteria provided, single submitter. Criteria: LabCorp Variant Classification Summary - May 2015. Collection method: clinical testing. Allele origin: germline.
Comment: Variant summary: The variant involves the deletion of exons 1-16 in the GALNT2 gene. A presumed nomenclature of c.(?_-44)_(*2665_?)del has been designated for the purposes of this classification. This deletion includes the entire coding sequence of the gene. As the exact proximal and distal breakpoints are unknown, it may extend beyond the annotated region of the gene to include other flanking genes. Loss-of-function variants in this gene are known to be pathogenic. The variant was absent in 120780 control chromosomes in the gnomAD database (Structural Variants v4.1 dataset). To our knowledge, no occurrence of c.(?_-44)_(*2665_?)del in individuals affected with GALNT2-related conditions and no experimental evidence demonstrating its impact on protein function have been reported. ClinVar contains an entry for this variant (Variation ID: 2425124). Based on the evidence outlined above, the variant was classified as pathogenic.